The following is an entry in ClinVar:

NM_001557.4(CXCR2):c.348A>G (p.Thr116=)

Gene: CXCR2 (C-X-C motif chemokine receptor 2; plus strand). Cytogenetic location: 2q35.
Variant type: single nucleotide variant.
Coding change: c.348A>G on transcript NM_001557.4 (MANE Select); coding-DNA position 348, A replaced by G.
Protein change: p.Thr116=; no amino-acid change (threonine 116 retained).
Molecular consequence: synonymous variant.
Genome position (GRCh38, 1-based): chr2:218,135,149, A>G. VCF-style: chr2-218135149-A-G. GRCh37 (hg19) VCF-style: chr2-218999872-A-G.
Other names: p.Thr116=; c.348A>G, p.Thr116= (NM_001168298.2).
Identifiers: ClinVar variation 1600360 (VCV001600360.10), dbSNP rs147368052, ClinGen allele CA2101688.

ClinVar aggregate classification (germline): Benign/Likely benign. Review status: criteria provided, multiple submitters, no conflicts (2 of 4 stars). 3 submissions from 3 submitters: Benign (2); Likely benign (1). Last evaluated 2026-01-26.

Allele frequency attached by ClinVar (database versions not stated): gnomAD 0.00006 and 0.00019; ESP Exome Variant Server 0.00008; TOPMed 0.00009; 1000 Genomes Project 30x 0.00016; 1000 Genomes Project 0.00020; gnomAD exomes 0.00029 and 0.00061; ExAC 0.00067.

Submissions (3):

Labcorp Genetics (formerly Invitae), Labcorp
Classification: Benign. Last evaluated: 2026-01-26. Review status: criteria provided, single submitter. Criteria: Invitae Variant Classification Sherloc (09022015). Collection method: clinical testing. Allele origin: germline.

Mayo Clinic Laboratories, Mayo Clinic
Classification: Benign. Last evaluated: 2025-09-12. Review status: criteria provided, single submitter. Criteria: ACMG Guidelines, 2015. Collection method: clinical testing. Allele origin: germline. Observed: 1 variant allele.
Comment: BS1, BS2, BP4, BP7

Blueprint Genetics
Classification: Likely benign. Last evaluated: 2024-11-07. Review status: criteria provided, single submitter. Criteria: ACMG Guidelines, 2015. Collection method: clinical testing. Allele origin: germline.